The following is an entry in ClinVar:

NM_015450.3(POT1):c.283G>T (p.Gly95Cys)

Gene: POT1 (protection of telomeres 1; minus strand). Cytogenetic location: 7q31.33.
Variant type: single nucleotide variant.
Coding change: c.283G>T on transcript NM_015450.3 (MANE Select); coding-DNA position 283, G replaced by T.
Protein change: p.Gly95Cys; replaces glycine 95 with cysteine.
Molecular consequence: missense variant. On other transcripts: 5 prime UTR variant (1), non-coding transcript variant (3).
Genome position (GRCh38, 1-based): chr7:124,863,613, C>A on the plus strand (G>T on the coding strand, the complement: POT1 is on the minus strand). VCF-style: chr7-124863613-C-A. GRCh37 (hg19) VCF-style: chr7-124503667-C-A.
Other names: c.-111G>T (NM_001042594.2); short protein forms G95C.
Identifiers: ClinVar variation 209093 (VCV000209093.11), dbSNP rs797045168, ClinGen allele CA204986.

ClinVar aggregate classification (germline): Uncertain significance. Review status: criteria provided, multiple submitters, no conflicts (2 of 4 stars). 3 submissions from 3 submitters: Uncertain significance (2). 1 of the submissions does not count toward it. Last evaluated 2024-10-21.

Conditions:
Hereditary cancer-predisposing syndrome. Also called: Tumor predisposition; Hereditary Cancer Syndrome; Neoplastic Syndromes, Hereditary; Hereditary neoplastic syndrome. Identifiers: Orphanet 140162, MedGen C0027672, MeSH D009386, MONDO:0015356.
Tumor predisposition syndrome 3 (TPDS3). Also called: LONG TELOMERE SYNDROME, POT1-RELATED; POT1 Tumor Predisposition; Melanoma, cutaneous malignant, susceptibility to, 10; Glioma susceptibility 9. Identifiers: Orphanet 618, MedGen C4014476, MONDO:0014368, OMIM 615848.

Submissions (3):

Labcorp Genetics (formerly Invitae), Labcorp
Classification: Uncertain significance for Tumor predisposition syndrome 3. Last evaluated: 2024-10-21. Review status: criteria provided, single submitter. Criteria: Invitae Variant Classification Sherloc (09022015). Collection method: clinical testing. Allele origin: germline.
Comment: This sequence change replaces glycine, which is neutral and non-polar, with cysteine, which is neutral and slightly polar, at codon 95 of the POT1 protein (p.Gly95Cys). This variant is not present in population databases (gnomAD no frequency). This missense change has been observed in individual(s) with glioma (PMID: 25482530). It has also been observed to segregate with disease in related individuals. ClinVar contains an entry for this variant (Variation ID: 209093). Invitae Evidence Modeling of protein sequence and biophysical properties (such as structural, functional, and spatial information, amino acid conservation, physicochemical variation, residue mobility, and thermodynamic stability) indicates that this missense variant is not expected to disrupt POT1 protein function with a negative predictive value of 80%. Experimental studies have shown that this missense change affects POT1 function (PMID: 33782098). In summary, the available evidence is currently insufficient to determine the role of this variant in disease. Therefore, it has been classified as a Variant of Uncertain Significance.

Ambry Genetics
Classification: Uncertain significance for Hereditary cancer-predisposing syndrome. Last evaluated: 2024-09-09. Review status: criteria provided, single submitter. Criteria: Ambry Variant Classification Scheme 2023. Collection method: clinical testing. Allele origin: germline.
Comment: The p.G95C variant (also known as c.283G>T), located in coding exon 4 of the POT1 gene, results from a G to T substitution at nucleotide position 283. The glycine at codon 95 is replaced by cysteine, an amino acid with highly dissimilar properties. This variant was identified in one or more individuals with gliomas and segregated with disease in at least one family (Bainbridge MN et al. J Natl Cancer Inst, 2015 Jan;107:384). This amino acid position is well conserved in available vertebrate species. In addition, the in silico prediction for this alteration is inconclusive. Based on the available evidence, the clinical significance of this variant remains unclear.

OMIM
Classification: Pathogenic for TUMOR PREDISPOSITION SYNDROME 3. Last evaluated: 2014-12-07. Review status: no assertion criteria provided. Collection method: literature only. Allele origin: germline. Not counted in ClinVar's aggregate classification.

Literature cited by the submitters: PubMed 25482530 (cited by 3 submitters); PubMed 33782098 (cited by Labcorp Genetics (formerly Invitae), Labcorp).